The following is an entry in ClinVar:

NM_013382.7(POMT2):c.1892-164C>T

Gene: POMT2 (protein O-mannosyltransferase 2; minus strand). Cytogenetic location: 14q24.3.
Variant type: single nucleotide variant.
Coding change: c.1892-164C>T on transcript NM_013382.7 (MANE Select); 164 bases into the intron before coding-DNA position 1892, C replaced by T.
Molecular consequence: intron variant.
Genome position (GRCh38, 1-based): chr14:77,279,033, G>A on the plus strand (C>T on the coding strand, the complement: POMT2 is on the minus strand). VCF-style: chr14-77279033-G-A. GRCh37 (hg19) VCF-style: chr14-77745376-G-A.
Identifiers: ClinVar variation 668039 (VCV000668039.2), dbSNP rs61990291, ClinGen allele CA14009040.

ClinVar aggregate classification (germline): Benign. Review status: criteria provided, multiple submitters, no conflicts (2 of 4 stars). 2 submissions from 2 submitters: Benign (2). Last evaluated 2018-06-14.

Allele frequency attached by ClinVar (database versions not stated): gnomAD 0.22317 and 0.22875; TOPMed 0.23823; 1000 Genomes Project 30x 0.28076; 1000 Genomes Project 0.28494.
gnomAD v4.1: 233,173 of 948,676 alleles (25%); highest among the groups gnomAD compares: East Asian, 48%; 30,909 homozygotes.

Submissions (2):

GeneDx
Classification: Benign. Last evaluated: 2018-06-14. Review status: criteria provided, single submitter. Criteria: GeneDx Variant Classification (06012015). Collection method: clinical testing. Allele origin: germline. Affected: yes.
Comment: This variant is considered likely benign or benign based on one or more of the following criteria: it is a conservative change, it occurs at a poorly conserved position in the protein, it is predicted to be benign by multiple in silico algorithms, and/or has population frequency not consistent with disease.

Breakthrough Genomics
Classification: Benign. Review status: criteria provided, single submitter. Criteria: ACMG Guidelines, 2015. Collection method: not provided. Allele origin: germline. Inheritance: Autosomal recessive inheritance. Affected: yes.